The following is an entry in ClinVar:

NM_012210.4(TRIM32):c.217T>C (p.Leu73=)

Genes: ASTN2 (astrotactin 2; minus strand), TRIM32 (tripartite motif containing 32; plus strand). Cytogenetic location: 9q33.1.
Variant type: single nucleotide variant.
Coding change: c.217T>C on transcript NM_012210.4 (MANE Select); coding-DNA position 217, T replaced by C.
Protein change: p.Leu73=; no amino-acid change (leucine 73 retained).
Molecular consequence: synonymous variant. On other transcripts: intron variant (3).
Genome position (GRCh38, 1-based): chr9:116,697,959, T>C. VCF-style: chr9-116697959-T-C. GRCh37 (hg19) VCF-style: chr9-119460238-T-C.
Other names: c.217T>C, p.Leu73= (NM_001099679.2, NM_001379048.1, NM_001379049.1 and 1 more transcripts); c.2653+27812A>G (NM_014010.5); c.2794+27812A>G (NM_001365069.1); c.2806+27812A>G (NM_001365068.1).
Identifiers: ClinVar variation 2797323 (VCV002797323.4), dbSNP rs746368262, ClinGen allele CA5210923.
Genomic context (GRCh38, chr9:116,697,959, plus strand): 5'-GCCAGTAGCATCAATGGTGTCCGCTGTCCCTTTTGCAGCAAGATTACCCGCATAACCAGC[T>C]TGACCCAGCTGACAGACAATCTGACAGTGCTAAAGATCATTGATACAGCTGGGCTCAGCG-3'
Protein context (NP_036342.2, residues 63-83): FCSKITRITS[Leu73=]TQLTDNLTVL

ClinVar aggregate classification (germline): Likely benign. Review status: criteria provided, single submitter (1 of 4 stars). 2 submissions from 2 submitters: Likely benign (1). 1 of the submissions does not count toward it. Last evaluated 2023-09-25.

Conditions:
Bardet-Biedl syndrome (BBS). Identifiers: Orphanet 110, MedGen C0752166, MONDO:0015229.
TRIM32-related disorder. Also called: TRIM32-related condition.

Allele frequency attached by ClinVar (database versions not stated): gnomAD 0.00001; gnomAD exomes 0.00001; ExAC 0.00002.
gnomAD v4.1: 14 of 1,614,130 alleles (0.00087%); highest among the groups gnomAD compares: South Asian, 0.014%; no homozygotes.

Submissions (2):

Labcorp Genetics (formerly Invitae), Labcorp
Classification: Likely benign for Bardet-Biedl syndrome. Last evaluated: 2023-09-25. Review status: criteria provided, single submitter. Criteria: Invitae Variant Classification Sherloc (09022015). Collection method: clinical testing. Allele origin: germline.

PreventionGenetics, part of Exact Sciences
Classification: Likely benign for TRIM32-related condition. Last evaluated: 2019-11-20. Review status: no assertion criteria provided. Collection method: clinical testing. Allele origin: germline. Not counted in ClinVar's aggregate classification.
Comment: This variant is classified as likely benign based on ACMG/AMP sequence variant interpretation guidelines (Richards et al. 2015 PMID: 25741868, with internal and published modifications).